The following is an entry in ClinVar:

ClinVar aggregate classification (germline): Uncertain significance (1 of 4 stars; one submission).

Conditions:
Ethylmalonic encephalopathy (EE). Also called: EPEMA syndrome; Encephalopathy, petechiae, and ethylmalonic aciduria; Syndrome of encephalopathy, petechiae, and ethylmalonic aciduria. Identifiers: Orphanet 51188, MedGen C1865349, MONDO:0011229, OMIM 602473. Disease mechanism: loss of function.

Allele frequency attached by ClinVar (database versions not stated): gnomAD exomes below 0.00001; ExAC 0.00001; gnomAD 0.00001.
gnomAD v4.1: 1 of 1,614,182 alleles (0.000062%); highest among the groups gnomAD compares: African/African-American, 0.0013%; no homozygotes.

Submission:

Labcorp Genetics (formerly Invitae), Labcorp
Classification: Uncertain significance for Ethylmalonic encephalopathy. Last evaluated: 2024-10-29. Review status: criteria provided, single submitter. Criteria: Invitae Variant Classification Sherloc (09022015). Collection method: clinical testing. Allele origin: germline.
Comment: This sequence change replaces serine, which is neutral and polar, with phenylalanine, which is neutral and non-polar, at codon 119 of the ETHE1 protein (p.Ser119Phe). This variant is present in population databases (rs772537157, gnomAD 0.007%). This variant has not been reported in the literature in individuals affected with ETHE1-related conditions. ClinVar contains an entry for this variant (Variation ID: 1396300). Invitae Evidence Modeling of protein sequence and biophysical properties (such as structural, functional, and spatial information, amino acid conservation, physicochemical variation, residue mobility, and thermodynamic stability) indicates that this missense variant is not expected to disrupt ETHE1 protein function with a negative predictive value of 80%. In summary, the available evidence is currently insufficient to determine the role of this variant in disease. Therefore, it has been classified as a Variant of Uncertain Significance.

NM_014297.5(ETHE1):c.356C>T (p.Ser119Phe)

Gene: ETHE1 (ETHE1 persulfide dioxygenase; minus strand). Cytogenetic location: 19q13.31.
Variant type: single nucleotide variant.
Coding change: c.356C>T on transcript NM_014297.5 (MANE Select); coding-DNA position 356, C replaced by T.
Protein change: p.Ser119Phe; replaces serine 119 with phenylalanine.
Molecular consequence: missense variant. On other transcripts: intron variant (2).
Genome position (GRCh38, 1-based): chr19:43,526,220, G>A on the plus strand (C>T on the coding strand, the complement: ETHE1 is on the minus strand). VCF-style: chr19-43526220-G-A. GRCh37 (hg19) VCF-style: chr19-44030372-G-A.
Other names: c.323C>T, p.Ser108Phe (NM_001320867.2); c.81+877C>T (NM_001320869.2); c.6+295C>T (NM_001320868.2); short protein forms S108F, S119F.
Identifiers: ClinVar variation 1396300 (VCV001396300.6), dbSNP rs772537157, ClinGen allele CA9487895.